The following is an entry in ClinVar:

NM_007192.4(SUPT16H):c.221T>C (p.Ile74Thr)

Gene: SUPT16H (SPT16 homolog, facilitates chromatin remodeling subunit; minus strand). Cytogenetic location: 14q11.2.
Variant type: single nucleotide variant.
Coding change: c.221T>C on transcript NM_007192.4 (MANE Select); coding-DNA position 221, T replaced by C.
Protein change: p.Ile74Thr; replaces isoleucine 74 with threonine.
Molecular consequence: missense variant.
Genome position (GRCh38, 1-based): chr14:21,371,983, A>G on the plus strand (T>C on the coding strand, the complement: SUPT16H is on the minus strand). VCF-style: chr14-21371983-A-G. GRCh37 (hg19) VCF-style: chr14-21840142-A-G.
Other names: short protein forms I74T.
Identifiers: ClinVar variation 3040988 (VCV003040988.3), dbSNP rs761769909, ClinGen allele CA7090387.

ClinVar aggregate classification (germline): Likely benign. Review status: criteria provided, single submitter (1 of 4 stars). 2 submissions from 2 submitters: Likely benign (1). 1 of the submissions does not count toward it. Last evaluated 2026-09-01.

Conditions:
SUPT16H-related disorder. Also called: SUPT16H-related condition.

Allele frequency attached by ClinVar (database versions not stated): gnomAD 0.00006; gnomAD exomes 0.00014; TOPMed 0.00014; ExAC 0.00033.
gnomAD v4.1: 91 of 1,614,008 alleles (0.0056%); highest among the groups gnomAD compares: Admixed American, 0.15%; no homozygotes.

Submissions (2):

CeGaT Center for Human Genetics Tuebingen
Classification: Likely benign. Last evaluated: 2026-09-01. Review status: criteria provided, single submitter. Criteria: CeGaT Center For Human Genetics Tuebingen Variant Classification Criteria Version 2. Collection method: clinical testing. Allele origin: germline. Affected: yes. Observed: 1 variant allele.
Comment: SUPT16H: BS1

PreventionGenetics, part of Exact Sciences
Classification: Likely benign for SUPT16H-related condition. Last evaluated: 2021-01-19. Review status: no assertion criteria provided. Collection method: clinical testing. Allele origin: germline. Not counted in ClinVar's aggregate classification.
Comment: This variant is classified as likely benign based on ACMG/AMP sequence variant interpretation guidelines (Richards et al. 2015 PMID: 25741868, with internal and published modifications).